The following is an entry in ClinVar:

NM_001110556.2(FLNA):c.2405-5C>T

Gene: FLNA (filamin A; minus strand). Cytogenetic location: Xq28.
Variant type: single nucleotide variant.
Coding change: c.2405-5C>T on transcript NM_001110556.2 (MANE Select); 5 bases into the intron before coding-DNA position 2405, C replaced by T.
Molecular consequence: intron variant.
Genome position (GRCh38, 1-based): chrX:154,362,583, G>A on the plus strand (C>T on the coding strand, the complement: FLNA is on the minus strand). VCF-style: chrX-154362583-G-A. GRCh37 (hg19) VCF-style: chrX-153590951-G-A.
Other names: c.2405-5C>T (NM_001456.4).
Identifiers: ClinVar variation 1673617 (VCV001673617.14), dbSNP rs781892155, ClinGen allele CA10560930.
Genomic context (GRCh38, chrX:154,362,583, plus strand): 5'-AGCTTCGGCGGGGCCTACCACTCCAGGGGCACACTTGATGCCGATGCTGACGTCCCCTGC[G>A]GCGGGGAGAGGAGCGGAGGCTGAGACCTCGCAGGGACACCCCAGCCACCTGCCCTCCCAC-3'

ClinVar aggregate classification (germline): Conflicting classifications of pathogenicity. Review status: criteria provided, conflicting classifications (1 of 4 stars). 3 submissions from 3 submitters: Uncertain significance (2); Likely benign (1). Last evaluated 2026-08-20.

Conditions:
Melnick-Needles syndrome (MNS). Also called: MELNICK-NEEDLES OSTEODYSPLASTY; OSTEODYSPLASTY OF MELNICK AND NEEDLES; Melnick-Needles Syndrome (FLNA-MNS). Identifiers: Orphanet 2484, MedGen C0025237, MONDO:0010650, OMIM 309350.
Frontometaphyseal dysplasia (FMD1). Identifiers: Orphanet 1826, MedGen C0265293, MONDO:0015942.
Oto-palato-digital syndrome, type II (OPD2). Also called: Otopalatodigital Syndrome, Type II; FACIOPALATOOSSEOUS SYNDROME; OPD II SYNDROME; Otopalatodigital Syndrome Type 2 (FLNA-OPD2). Identifiers: Orphanet 669, Orphanet 90652, MedGen C1844696, MONDO:0010571, OMIM 304120.
Heterotopia, periventricular, X-linked dominant (PVNH1). Also called: PERIVENTRICULAR NODULAR HETEROTOPIA 4; HETEROTOPIA, PERIVENTRICULAR, 1; PERIVENTRICULAR NODULAR HETEROTOPIA 1; X-linked periventricular heterotopia. Identifiers: Orphanet 2149, Orphanet 82004, MedGen C1848213, MONDO:0010233, OMIM 300049.
Familial thoracic aortic aneurysm and aortic dissection (TAAD). Also called: Thoracic aortic aneurysms and dissections. Identifiers: Orphanet 91387, MedGen C4707243, MONDO:0019625.

Allele frequency attached by ClinVar (database versions not stated): ExAC 0.00002; gnomAD exomes 0.00003.
gnomAD v4.1: 13 of 1,210,617 alleles (0.0011%); highest among the groups gnomAD compares: Middle Eastern, 0.069%; no homozygotes.

Submissions (3):

Ambry Genetics
Classification: Uncertain significance for Familial thoracic aortic aneurysm and aortic dissection. Last evaluated: 2026-08-20. Review status: criteria provided, single submitter. Criteria: Ambry Variant Classification Scheme 2023. Collection method: clinical testing. Allele origin: germline.
Comment: The c.2405-5C>T intronic variant results from a C to T substitution 5 nucleotides upstream from coding exon 16 in the FLNA gene. This nucleotide position is not well conserved in available vertebrate species. In silico splice site analysis predicts that this alteration will not have any significant effect on splicing. Based on data from gnomAD, the T allele has an overall frequency of 0.0028% (5/179357) total alleles studied, with 1 hemizygote(s) observed. The highest observed frequency was 0.0105% (2/19059) of South Asian alleles. Based on the available evidence, the clinical significance of this variant remains unclear.

Labcorp Genetics (formerly Invitae), Labcorp
Classification: Likely benign for Oto-palato-digital syndrome, type II; Heterotopia, periventricular, X-linked dominant; Frontometaphyseal dysplasia; Melnick-Needles syndrome. Last evaluated: 2025-07-29. Review status: criteria provided, single submitter. Criteria: Invitae Variant Classification Sherloc (09022015). Collection method: clinical testing. Allele origin: germline.

Revvity Omics, Revvity
Classification: Uncertain significance. Last evaluated: 2022-07-14. Review status: criteria provided, single submitter. Criteria: ACMG Guidelines, 2015. Collection method: clinical testing. Allele origin: germline.